The following is an entry in ClinVar:

NM_004357.5(CD151):c.702+6G>T

Gene: CD151 (CD151 molecule (Raph blood group); plus strand). Cytogenetic location: 11p15.5.
Variant type: single nucleotide variant.
Coding change: c.702+6G>T on transcript NM_004357.5 (MANE Select); 6 bases into the intron after coding-DNA position 702, G replaced by T.
Molecular consequence: intron variant.
Genome position (GRCh38, 1-based): chr11:838,034, G>T. VCF-style: chr11-838034-G-T. GRCh37 (hg19) VCF-style: chr11-838034-G-T.
Other names: c.702+6G>T (NM_139030.4, NM_139029.2, NM_001039490.2).
Identifiers: ClinVar variation 4980409 (VCV004980409.1).

ClinVar aggregate classification (germline): Likely benign (1 of 4 stars; one submission).

Conditions:
CD151-related disorder. Also called: CD151-related condition.

gnomAD v4.1: 12 of 1,612,150 alleles (0.00074%); highest among the groups gnomAD compares: Middle Eastern, 0.049%; no homozygotes.

Submission:

PreventionGenetics, part of Exact Sciences
Classification: Likely benign for CD151-related condition. Last evaluated: 2025-09-25. Review status: criteria provided, single submitter. Criteria: ACMG Guidelines, 2015. Collection method: clinical testing. Allele origin: germline.
Comment: This variant is classified as likely benign based on ACMG/AMP sequence variant interpretation guidelines (Richards et al. 2015 PMID: 25741868, with internal and published modifications).